The following is an entry in ClinVar:

NM_001303052.2(MYT1L):c.3080+1521G>C

Gene: MYT1L (myelin transcription factor 1 like; minus strand). Cytogenetic location: 2p25.3.
Variant type: single nucleotide variant.
Coding change: c.3080+1521G>C on transcript NM_001303052.2 (MANE Select); 1521 bases into the intron after coding-DNA position 3080, G replaced by C.
Molecular consequence: intron variant.
Genome position (GRCh38, 1-based): chr2:1,837,628, C>G on the plus strand (G>C on the coding strand, the complement: MYT1L is on the minus strand). VCF-style: chr2-1837628-C-G. GRCh37 (hg19) VCF-style: chr2-1841400-C-G.
Other names: c.3074+1521G>C (NM_015025.4, NM_001329847.2, NM_001329848.1 and 3 more transcripts); c.3080+1521G>C (NM_001329844.2, NM_001329845.1, NM_001329851.3).
Identifiers: ClinVar variation 4084590 (VCV004084590.8).
Genomic context (GRCh38, chr2:1,837,628, plus strand): 5'-CAAGGACGTTCACGCGGAGTTCTTTGTAACAATCAAACCTGGACAGGACACCAGGTGGCA[C>G]GTGCAGGAACAGGCTCAATGGGGAGGGTGAGGCGGCTCTGTGACACCCTGGGCTTCTGTG-3'

ClinVar aggregate classification (germline): Likely benign (1 of 4 stars; one submission).

gnomAD v4.1: 54 of 152,060 alleles (0.036%); highest among the groups gnomAD compares: Non-Finnish European, 0.068%; no homozygotes.

Submission:

CeGaT Center for Human Genetics Tuebingen
Classification: Likely benign. Last evaluated: 2025-07-01. Review status: criteria provided, single submitter. Criteria: CeGaT Center For Human Genetics Tuebingen Variant Classification Criteria Version 2. Collection method: clinical testing. Allele origin: germline. Affected: yes. Observed: 1 variant allele.
Comment: MYT1L: BP4